The following is an entry in ClinVar:

NM_004655.4(AXIN2):c.2179T>C (p.Ser727Pro)

Gene: AXIN2 (axin 2; minus strand). Cytogenetic location: 17q24.1.
Variant type: single nucleotide variant.
Coding change: c.2179T>C on transcript NM_004655.4 (MANE Select); coding-DNA position 2179, T replaced by C.
Protein change: p.Ser727Pro; replaces serine 727 with proline.
Molecular consequence: missense variant.
Genome position (GRCh38, 1-based): chr17:65,535,684, A>G on the plus strand (T>C on the coding strand, the complement: AXIN2 is on the minus strand). VCF-style: chr17-65535684-A-G. GRCh37 (hg19) VCF-style: chr17-63531802-A-G.
Other names: c.2179T>C (LRG_296t1); c.1984T>C, p.Ser662Pro (NM_001363813.1); short protein forms S727P, S662P.
Identifiers: ClinVar variation 422158 (VCV000422158.12), dbSNP rs1064795595, ClinGen allele CA16620560.
Genomic context (GRCh38, chr17:65,535,684, plus strand): 5'-ACTCTTCTGGAGCCAGGCTTGGATTGGAGAAGGGTGTGGCTCCCGTCTGAACAGTGGCCG[A>G]ATGATTCCTGTCCCTCTGCTGACTGGCCACACAGCACCTGAGGACACAGCCAGGGCGAGG-3'
Protein context (NP_004646.3, residues 717-737): VASQQRDRNH[Ser727Pro]ATVQTGATPF

ClinVar aggregate classification (germline): Uncertain significance. Review status: criteria provided, multiple submitters, no conflicts (2 of 4 stars). 3 submissions from 3 submitters: Uncertain significance (3). Last evaluated 2025-12-09.

Conditions:
Oligodontia-cancer predisposition syndrome. Also called: TOOTH AGENESIS-COLORECTAL CANCER SYNDROME. Identifiers: Orphanet 300576, MedGen C1837750, MONDO:0012075, OMIM 608615. Disease mechanism: loss of function.
Hereditary cancer-predisposing syndrome. Also called: Hereditary neoplastic syndrome; Neoplastic Syndromes, Hereditary; Tumor predisposition; Hereditary Cancer Syndrome. Identifiers: Orphanet 140162, MedGen C0027672, MeSH D009386, MONDO:0015356.

Submissions (3):

Labcorp Genetics (formerly Invitae), Labcorp
Classification: Uncertain significance for Oligodontia-cancer predisposition syndrome. Last evaluated: 2025-12-09. Review status: criteria provided, single submitter. Criteria: Invitae Variant Classification Sherloc (09022015). Collection method: clinical testing. Allele origin: germline.
Comment: This sequence change replaces serine, which is neutral and polar, with proline, which is neutral and non-polar, at codon 727 of the AXIN2 protein (p.Ser727Pro). This variant is not present in population databases (gnomAD no frequency). This variant has not been reported in the literature in individuals affected with AXIN2-related conditions. ClinVar contains an entry for this variant (Variation ID: 422158). An algorithm developed to predict the effect of missense changes on protein structure and function outputs the following: PolyPhen-2: "Benign". The proline amino acid residue is found in multiple mammalian species, which suggests that this missense change does not adversely affect protein function. In summary, the available evidence is currently insufficient to determine the role of this variant in disease. Therefore, it has been classified as a Variant of Uncertain Significance.

Ambry Genetics
Classification: Uncertain significance for Hereditary cancer-predisposing syndrome. Last evaluated: 2024-02-13. Review status: criteria provided, single submitter. Criteria: Ambry Variant Classification Scheme 2023. Collection method: clinical testing. Allele origin: germline.
Comment: The p.S727P variant (also known as c.2179T>C), located in coding exon 8 of the AXIN2 gene, results from a T to C substitution at nucleotide position 2179. The serine at codon 727 is replaced by proline, an amino acid with similar properties. This amino acid position is conserved. In addition, this alteration is predicted to be tolerated by in silico analysis. Based on the available evidence, the clinical significance of this alteration remains unclear.

GeneDx
Classification: Uncertain significance. Last evaluated: 2016-09-01. Review status: criteria provided, single submitter. Criteria: GeneDx Variant Classification (06012015). Collection method: clinical testing. Allele origin: germline. Affected: yes.
Comment: This variant is denoted AXIN2 c.2179T>C at the cDNA level, p.Ser727Pro (S727P) at the protein level, and results in the change of a Serine to a Proline (TCG>CCG). This variant has not, to our knowledge, been published in the literature as pathogenic or benign. AXIN2 Ser727Pro was not observed in approximately 6,500 individuals of European and African American ancestry in the NHLBI Exome Sequencing Project, suggesting it is not a common benign variant in these populations. Since Serine and Proline differ in polarity, charge, size or other properties, this is considered a non-conservative amino acid substitution. AXIN2 Ser727Pro occurs at a position that is not conserved and is not located in a known functional domain (Salahshor 2005). In silico analyses predict that this variant is unlikely to alter protein structure or function. Based on currently available evidence, it is unclear whether AXIN2 Ser727Pro is a pathogenic or benign variant. We consider it to be a variant of uncertain significance.